The following is an entry in ClinVar:

NM_198578.4(LRRK2):c.2987A>C (p.Asp996Ala)

Gene: LRRK2 (leucine rich repeat kinase 2; plus strand). Cytogenetic location: 12q12.
Variant type: single nucleotide variant.
Coding change: c.2987A>C on transcript NM_198578.4 (MANE Select); coding-DNA position 2987, A replaced by C.
Protein change: p.Asp996Ala; replaces aspartic acid 996 with alanine.
Molecular consequence: missense variant.
Genome position (GRCh38, 1-based): chr12:40,295,535, A>C. VCF-style: chr12-40295535-A-C. GRCh37 (hg19) VCF-style: chr12-40689337-A-C.
Other names: short protein forms D996A.
Identifiers: ClinVar variation 1798454 (VCV001798454.2), dbSNP rs886049358, ClinGen allele CA384412735.

ClinVar aggregate classification (germline): Uncertain significance (1 of 4 stars; one submission).

Conditions:
Inborn genetic diseases. Identifiers: MedGen C0950123, MeSH D030342.

Submission:

Ambry Genetics
Classification: Uncertain significance for Inborn genetic diseases. Last evaluated: 2022-03-03. Review status: criteria provided, single submitter. Criteria: Ambry Variant Classification Scheme 2023. Collection method: clinical testing. Allele origin: germline.
Comment: The p.D996A variant (also known as c.2987A>C), located in coding exon 23 of the LRRK2 gene, results from an A to C substitution at nucleotide position 2987. The aspartic acid at codon 996 is replaced by alanine, an amino acid with dissimilar properties. This amino acid position is conserved. In addition, the in silico prediction for this alteration is inconclusive. Since supporting evidence is limited at this time, the clinical significance of this alteration remains unclear.